The following is an entry in ClinVar:

NM_177438.3(DICER1):c.4458del (p.Lys1486fs)

Gene: DICER1 (dicer 1, ribonuclease III; minus strand). Cytogenetic location: 14q32.13.
Variant type: Deletion.
Coding change: c.4458del on transcript NM_177438.3 (MANE Select); coding-DNA position 4458, one base deleted (A; older notation c.4458delA).
Protein change: p.Lys1486fs; shifts the reading frame from lysine 1486.
Molecular consequence: frameshift variant.
Genome position (GRCh38, 1-based): chr14:95,096,462, T deleted on the plus strand (A on the coding strand, the reverse complement: DICER1 is on the minus strand); the first of 6 consecutive T bases (chr14:95,096,462-95,096,467); deleting any one gives the same sequence. VCF-style (leftmost placement, unchanged base first): chr14-95096461-AT-A. GRCh37 (hg19) VCF-style: chr14-95562798-AT-A.
Other names: c.4458del, p.Lys1486fs (NM_001195573.1, NM_001271282.3, NM_001291628.2 and 1 more transcripts); short protein forms K1486fs.
Identifiers: ClinVar variation 933076 (VCV000933076.3), dbSNP rs1131691197, ClinGen allele CA487844145.

ClinVar aggregate classification (germline): Pathogenic (1 of 4 stars; one submission).

Conditions:
DICER1-related tumor predisposition. Also called: DICER1-related pleuropulmonary blastoma cancer predisposition syndrome; DICER1 syndrome. Identifiers: Orphanet 284343, MedGen C3839822, MONDO:0100216.

Submission:

Foulkes Cancer Genetics LDI, Lady Davis Institute for Medical Research
Classification: Pathogenic for Pleuropulmonary blastoma. Last evaluated: 2019-07-01. Review status: criteria provided, single submitter. Criteria: ACMG Guidelines, 2015. Collection method: curation. Allele origin: somatic. Affected: yes. Observed: 1 variant allele.
Comment: ACMG criteria met: PVS1, PM2, PP4

Literature cited by the submitters: PubMed 26475046.